The following is an entry in ClinVar:

ClinVar aggregate classification (germline): Likely benign (1 of 4 stars; one submission).

Allele frequency attached by ClinVar (database versions not stated): 1000 Genomes Project 0.00499; 1000 Genomes Project 30x 0.00500; TOPMed 0.00894; gnomAD 0.01110 and 0.01139.
gnomAD v4.1: 1,688 of 152,314 alleles (1.1%); highest among the groups gnomAD compares: Non-Finnish European, 1.7%; 21 homozygotes.

Submission:

GeneDx
Classification: Likely benign. Last evaluated: 2018-06-14. Review status: criteria provided, single submitter. Criteria: GeneDx Variant Classification (06012015). Collection method: clinical testing. Allele origin: germline. Affected: yes.
Comment: This variant is considered likely benign or benign based on one or more of the following criteria: it is a conservative change, it occurs at a poorly conserved position in the protein, it is predicted to be benign by multiple in silico algorithms, and/or has population frequency not consistent with disease.

NM_001271.4(CHD2):c.1810-158A>G

Gene: CHD2 (chromodomain helicase DNA binding protein 2; plus strand). Cytogenetic location: 15q26.1.
Variant type: single nucleotide variant.
Coding change: c.1810-158A>G on transcript NM_001271.4 (MANE Select); 158 bases into the intron before coding-DNA position 1810, A replaced by G.
Molecular consequence: intron variant.
Genome position (GRCh38, 1-based): chr15:92,956,301, A>G. VCF-style: chr15-92956301-A-G. GRCh37 (hg19) VCF-style: chr15-93499531-A-G.
Identifiers: ClinVar variation 677297 (VCV000677297.1), dbSNP rs62023126, ClinGen allele CA274879010.